The following is an entry in ClinVar:

ClinVar aggregate classification (germline): Pathogenic (1 of 4 stars; one submission).

Conditions:
DICER1-related tumor predisposition. Also called: DICER1-related pleuropulmonary blastoma cancer predisposition syndrome; DICER1 syndrome. Identifiers: Orphanet 284343, MedGen C3839822, MONDO:0100216.

Submission:

Foulkes Cancer Genetics LDI, Lady Davis Institute for Medical Research
Classification: Pathogenic for Pleuropulmonary blastoma. Last evaluated: 2019-07-01. Review status: criteria provided, single submitter. Criteria: ACMG Guidelines, 2015. Collection method: curation. Allele origin: somatic. Affected: yes. Observed: 1 variant allele.
Comment: ACMG criteria met: PS3, PM1, PM2, PM7, PP3, PP4, BP1

NM_177438.3(DICER1):c.5437_5438inv (p.Glu1813Ser)

Gene: DICER1 (dicer 1, ribonuclease III; minus strand). Cytogenetic location: 14q32.13.
Variant type: Inversion.
Coding change: c.5437_5438inv on transcript NM_177438.3 (MANE Select).
Protein change: p.Glu1813Ser; replaces glutamic acid 1813 with serine.
Molecular consequence: missense variant. On other transcripts: intron variant (1).
Genome position: GRCh38 VCF-style: chr14-95091292-TC-GA. GRCh37 (hg19) VCF-style: chr14-95557629-TC-GA.
Other names: c.5437_5438inv, p.Glu1813Ser (NM_001271282.3, NM_001291628.2, NM_030621.4); c.5365-184_5365-183inv (NM_001195573.1); short protein forms E1813S.
Identifiers: ClinVar variation 933087 (VCV000933087.3), ClinGen allele CA645587721.
Genomic context (GRCh38, chr14:95,091,292, plus strand): 5'-ACCTGCCAGACTGTCTCCAGTGACATCCCACTATCCATGTAAATGGCACCAGCAAGCGAC[TC>GA]AAAAATATCCCCCATGGCCTTTGGAACTTCAATATCCTCTTCTTTCTCTTCATCCTCCTC-3'
Protein context (NP_803187.1, residues 1803-1823): EVPKAMGDIF[Glu1813Ser]SLAGAIYMDS